The following is an entry in ClinVar:

ClinVar aggregate classification (germline): Pathogenic/Likely pathogenic. Review status: criteria provided, multiple submitters, no conflicts (2 of 4 stars). 2 submissions from 2 submitters: Pathogenic (1); Likely pathogenic (1). Last evaluated 2026-07-29.

Conditions:
Dihydropyrimidine dehydrogenase deficiency (DPYDD). Also called: DPD DEFICIENCY; DPYD DEFICIENCY; Hereditary Thymine-Uraciluria. Identifiers: Orphanet 1675, MedGen C1959620, MONDO:0010130, OMIM 274270.

gnomAD v4.1: 46 of 1,613,898 alleles (0.0029%); highest among the groups gnomAD compares: Non-Finnish European, 0.0038%; no homozygotes.

Submissions (2):

Myriad Genetics, Inc.
Classification: Pathogenic for Dihydropyrimidine dehydrogenase deficiency. Last evaluated: 2026-07-29. Review status: criteria provided, single submitter. Criteria: Myriad Autosomal Dominant, Autosomal Recessive and X-Linked Classification Criteria (2023). Collection method: clinical testing. Allele origin: unknown.
Comment: NM_000110.3(DPYD):c.966C>A(C322*) is a nonsense variant classified as pathogenic in the context of dihydropyrimidine dehydrogenase deficiency. C322* has not been observed in cases with relevant disease. Relevant functional assessments of this variant are not available in the literature. C322* has been observed in referenced population frequency databases. In summary, NM_000110.3(DPYD):c.966C>A(C322*) is a nonsense variant in a gene where loss of function is a known mechanism of disease and is predicted to disrupt protein function. Please note: this variant was assessed in the context of healthy population screening.

Baylor Genetics
Classification: Likely pathogenic for Dihydropyrimidine dehydrogenase deficiency. Last evaluated: 2023-02-13. Review status: criteria provided, single submitter. Criteria: ACMG Guidelines, 2015. Collection method: clinical testing. Allele origin: unknown.

NM_000110.4(DPYD):c.966C>A (p.Cys322Ter)

Gene: DPYD (dihydropyrimidine dehydrogenase; minus strand). Cytogenetic location: 1p21.3.
Variant type: single nucleotide variant.
Coding change: c.966C>A on transcript NM_000110.4 (MANE Select); coding-DNA position 966, C replaced by A.
Protein change: p.Cys322Ter; replaces cysteine 322 with a stop codon.
Molecular consequence: nonsense.
Genome position (GRCh38, 1-based): chr1:97,593,380, G>T on the plus strand (C>A on the coding strand, the complement: DPYD is on the minus strand). VCF-style: chr1-97593380-G-T. GRCh37 (hg19) VCF-style: chr1-98058936-G-T.
Other names: short protein forms C322*.
Identifiers: ClinVar variation 2674937 (VCV002674937.2), dbSNP rs768834079, ClinGen allele CA341377047.
Genomic context (GRCh38, chr1:97,593,380, plus strand): 5'-GTCTCCAGCTCCAAGTACAATCACGACTCCCCGTATCGATGGCAATGGAGAGTGACAGGC[G>T]CACATTCCTGAATGATGAAAGGAAAACCCCATTTTCAAGTAGAGAAACCATTTCTGCATG-3'